The following is an entry in ClinVar:

NM_002473.6(MYH9):c.4933-6C>T

Genes: MIR6819 (microRNA 6819; minus strand), MYH9 (myosin heavy chain 9; minus strand). Cytogenetic location: 22q12.3.
Variant type: single nucleotide variant.
Coding change: c.4933-6C>T on transcript NM_002473.6 (MANE Select); 6 bases into the intron before coding-DNA position 4933, C replaced by T.
Molecular consequence: intron variant. On other transcripts: non-coding transcript variant (1).
Genome position (GRCh38, 1-based): chr22:36,286,852, G>A on the plus strand (C>T on the coding strand, the complement: MYH9 is on the minus strand). VCF-style: chr22-36286852-G-A. GRCh37 (hg19) VCF-style: chr22-36682898-G-A.
Other names: c.4933-6C>T (NM_002473.5).
Identifiers: ClinVar variation 2969807 (VCV002969807.4), dbSNP rs778157316, ClinGen allele CA10209228.

ClinVar aggregate classification (germline): Likely benign. Review status: criteria provided, single submitter (1 of 4 stars). 2 submissions from 2 submitters: Likely benign (1). 1 of the submissions does not count toward it. Last evaluated 2023-02-14.

Conditions:
MYH9-related disorder. Identifiers: MedGen C1854520.

Allele frequency attached by ClinVar (database versions not stated): ExAC 0.00001; gnomAD 0.00001; gnomAD exomes 0.00001.
gnomAD v4.1: 8 of 1,605,674 alleles (0.0005%); highest among the groups gnomAD compares: Non-Finnish European, 0.00068%; no homozygotes.

Submissions (2):

Labcorp Genetics (formerly Invitae), Labcorp
Classification: Likely benign. Last evaluated: 2023-02-14. Review status: criteria provided, single submitter. Criteria: Invitae Variant Classification Sherloc (09022015). Collection method: clinical testing. Allele origin: germline.

PreventionGenetics, part of Exact Sciences
Classification: Uncertain significance for MYH9-related condition. Last evaluated: 2024-07-11. Review status: no assertion criteria provided. Collection method: clinical testing. Allele origin: germline. Not counted in ClinVar's aggregate classification.
Comment: The MYH9 c.4933-6C>T variant is predicted to interfere with splicing. To our knowledge, this variant has not been reported in the literature. This variant is reported in 0.0033% of alleles in individuals of South Asian descent in gnomAD. At this time, the clinical significance of this variant is uncertain due to the absence of conclusive functional and genetic evidence.